The following is an entry in ClinVar:

ClinVar aggregate classification (germline): Uncertain significance (1 of 4 stars; one submission).

Conditions:
Neuropathy, hereditary sensory and autonomic, type 2A (HSAN2A). Also called: ACROOSTEOLYSIS, GIACCAI TYPE; ACROOSTEOLYSIS, NEUROGENIC; MORVAN DISEASE; NEUROPATHY, CONGENITAL SENSORY; NEUROPATHY, HEREDITARY SENSORY RADICULAR, AUTOSOMAL RECESSIVE; NEUROPATHY, HEREDITARY SENSORY, TYPE IIA. Identifiers: Orphanet 970, MedGen C2752089, MONDO:0024309, OMIM 201300.
Pseudohypoaldosteronism type 2C (PHA2C). Also called: Pseudohypoaldosteronism Type IIC. Identifiers: Orphanet 757, Orphanet 88940, MedGen C1840391, MONDO:0013778, OMIM 614492.

Allele frequency attached by ClinVar (database versions not stated): gnomAD 0.00001; ExAC 0.00002; gnomAD exomes 0.00002.
gnomAD v4.1: 26 of 1,613,738 alleles (0.0016%); highest among the groups gnomAD compares: South Asian, 0.0022%; no homozygotes.

Submission:

Labcorp Genetics (formerly Invitae), Labcorp
Classification: Uncertain significance for Neuropathy, hereditary sensory and autonomic, type 2A; Pseudohypoaldosteronism type 2C. Last evaluated: 2022-10-13. Review status: criteria provided, single submitter. Criteria: Invitae Variant Classification Sherloc (09022015). Collection method: clinical testing. Allele origin: germline.
Comment: This sequence change replaces arginine, which is basic and polar, with glutamine, which is neutral and polar, at codon 1078 of the WNK1 protein (p.Arg1078Gln). In summary, the available evidence is currently insufficient to determine the role of this variant in disease. Therefore, it has been classified as a Variant of Uncertain Significance. Advanced modeling of protein sequence and biophysical properties (such as structural, functional, and spatial information, amino acid conservation, physicochemical variation, residue mobility, and thermodynamic stability) performed at Invitae indicates that this missense variant is not expected to disrupt WNK1 protein function. This variant has not been reported in the literature in individuals affected with WNK1-related conditions. This variant is present in population databases (rs760030389, gnomAD 0.008%).

NM_213655.5(WNK1):c.3233G>A (p.Arg1078Gln)

Gene: WNK1 (WNK lysine deficient protein kinase 1; plus strand). Cytogenetic location: 12p13.33.
Variant type: single nucleotide variant.
Coding change: c.3233G>A on transcript NM_213655.5 (MANE Plus Clinical); coding-DNA position 3233, G replaced by A.
Protein change: p.Arg1078Gln; replaces arginine 1078 with glutamine.
Molecular consequence: missense variant. On other transcripts: intron variant (2).
Genome position (GRCh38, 1-based): chr12:868,704, G>A. VCF-style: chr12-868704-G-A. GRCh37 (hg19) VCF-style: chr12-977870-G-A.
Other names: c.2978G>A, p.Arg993Gln (NM_001184985.2); c.2140-2561G>A (NM_018979.4, NM_014823.3); short protein forms R1078Q, R993Q.
Identifiers: ClinVar variation 2201352 (VCV002201352.4), dbSNP rs760030389, ClinGen allele CA6382316.